The following is an entry in ClinVar:

NR_109851.1(LINC-PINT):n.1396-18120C>T

Gene: LINC-PINT (long intergenic non-protein coding RNA, p53 induced transcript; minus strand). Cytogenetic location: 7q32.3.
Variant type: single nucleotide variant.
Molecular consequence: non-coding transcript variant (on NR_109850.1). On other transcripts: intron variant (1).
Genome position: GRCh38 VCF-style: chr7-131002229-G-A. GRCh37 (hg19) VCF-style: chr7-130686988-G-A.
Identifiers: ClinVar variation 3059288 (VCV003059288.2), dbSNP rs1877727, ClinGen allele CA12482946.

ClinVar aggregate classification (germline): Benign (0 of 4 stars; one submission).

Conditions:
LINC-PINT-related disorder. Also called: LINC-PINT-related condition.

Allele frequency attached by ClinVar (database versions not stated): gnomAD exomes 0.67692; 1000 Genomes Project 30x 0.67958; 1000 Genomes Project 0.68151; TOPMed 0.68746; gnomAD 0.69997.

Submission:

PreventionGenetics, part of Exact Sciences
Classification: Benign for LINC-PINT-related condition. Last evaluated: 2019-09-20. Review status: no assertion criteria provided. Collection method: clinical testing. Allele origin: germline.
Comment: This variant is classified as benign based on ACMG/AMP sequence variant interpretation guidelines (Richards et al. 2015 PMID: 25741868, with internal and published modifications).